The following is an entry in ClinVar:

ClinVar aggregate classification (germline): Uncertain significance (1 of 4 stars; one submission).

Submission:

Ambry Genetics
Classification: Uncertain significance. Last evaluated: 2026-07-05. Review status: criteria provided, single submitter. Criteria: Ambry Variant Classification Scheme 2023. Collection method: clinical testing. Allele origin: germline.
Comment: The p.T152K variant (also known as c.455C>A), located in coding exon 3 of the ATRIP gene, results from a C to A substitution at nucleotide position 455. The threonine at codon 152 is replaced by lysine, an amino acid with similar properties. This amino acid position is conserved. In addition, the in silico prediction for this alteration is inconclusive. Based on the available evidence, the clinical significance of this variant remains unclear.

NM_130384.3(ATRIP):c.455C>A (p.Thr152Lys)

Genes: ATRIP (ATR interacting protein; plus strand), ATRIP-TREX1 (ATRIP-TREX1 readthrough; plus strand). Cytogenetic location: 3p21.31.
Variant type: single nucleotide variant.
Coding change: c.455C>A on transcript NM_130384.3 (MANE Select); coding-DNA position 455, C replaced by A.
Protein change: p.Thr152Lys; replaces threonine 152 with lysine.
Molecular consequence: missense variant. On other transcripts: non-coding transcript variant (1).
Genome position (GRCh38, 1-based): chr3:48,451,802, C>A. VCF-style: chr3-48451802-C-A. GRCh37 (hg19) VCF-style: chr3-48493208-C-A.
Other names: c.74C>A, p.Thr25Lys (NM_001271022.2); c.176C>A, p.Thr59Lys (NM_001271023.2); c.455C>A, p.Thr152Lys (NM_032166.4); short protein forms T25K, T59K, T152K.
Identifiers: ClinVar variation 5032422 (VCV005032422.1).